The following is an entry in ClinVar:

NM_002878.4(RAD51D):c.550G>T (p.Glu184Ter)

Genes: RAD51L3-RFFL (RAD51L3-RFFL readthrough; minus strand), RAD51D (RAD51 paralog D; minus strand). Cytogenetic location: 17q12.
Variant type: single nucleotide variant.
Coding change: c.550G>T on transcript NM_002878.4 (MANE Select); coding-DNA position 550, G replaced by T.
Protein change: p.Glu184Ter; replaces glutamic acid 184 with a stop codon.
Molecular consequence: nonsense. On other transcripts: non-coding transcript variant (3).
Genome position (GRCh38, 1-based): chr17:35,106,412, C>A on the plus strand (G>T on the coding strand, the complement: RAD51D is on the minus strand). VCF-style: chr17-35106412-C-A. GRCh37 (hg19) VCF-style: chr17-33433431-C-A.
Other names: c.610G>T, p.Glu204Ter (NM_001142571.2); c.214G>T, p.Glu72Ter (NM_133629.3); short protein forms E184*, E72*, E204*.
Identifiers: ClinVar variation 1453715 (VCV001453715.6), dbSNP rs200009601, ClinGen allele CA399088656.

ClinVar aggregate classification (germline): Pathogenic (1 of 4 stars; one submission).

Conditions:
Breast-ovarian cancer, familial, susceptibility to, 4. Identifiers: Orphanet 145, MedGen C3280345, MONDO:0013669, OMIM 614291.

Submission:

Labcorp Genetics (formerly Invitae), Labcorp
Classification: Pathogenic for Breast-ovarian cancer, familial, susceptibility to, 4. Last evaluated: 2022-07-12. Review status: criteria provided, single submitter. Criteria: Invitae Variant Classification Sherloc (09022015). Collection method: clinical testing. Allele origin: germline.
Comment: This sequence change creates a premature translational stop signal (p.Glu184*) in the RAD51D gene. It is expected to result in an absent or disrupted protein product. Loss-of-function variants in RAD51D are known to be pathogenic (PMID: 21822267). This variant is not present in population databases (gnomAD no frequency). This variant has not been reported in the literature in individuals affected with RAD51D-related conditions. ClinVar contains an entry for this variant (Variation ID: 1453715). For these reasons, this variant has been classified as Pathogenic.

Literature cited by the submitters: PubMed 21822267.